The following is an entry in ClinVar:

ClinVar aggregate classification (germline): Uncertain significance. Review status: criteria provided, multiple submitters, no conflicts (2 of 4 stars). 2 submissions from 2 submitters: Uncertain significance (2). Last evaluated 2024-05-29.

Submissions (2):

GeneDx
Classification: Uncertain significance. Last evaluated: 2024-05-29. Review status: criteria provided, single submitter. Criteria: GeneDx Variant Classification Process June 2021. Collection method: clinical testing. Allele origin: germline. Affected: yes.
Comment: Not observed at significant frequency in large population cohorts (gnomAD); In silico analysis indicates that this missense variant does not alter protein structure/function; Has not been previously published as pathogenic or benign to our knowledge

Labcorp Genetics (formerly Invitae), Labcorp
Classification: Uncertain significance. Last evaluated: 2024-03-30. Review status: criteria provided, single submitter. Criteria: Invitae Variant Classification Sherloc (09022015). Collection method: clinical testing. Allele origin: germline.
Comment: This sequence change replaces glutamic acid, which is acidic and polar, with glycine, which is neutral and non-polar, at codon 1355 of the USH2A protein (p.Glu1355Gly). This variant is not present in population databases (gnomAD no frequency). This variant has not been reported in the literature in individuals affected with USH2A-related conditions. Advanced modeling of protein sequence and biophysical properties (such as structural, functional, and spatial information, amino acid conservation, physicochemical variation, residue mobility, and thermodynamic stability) performed at Invitae indicates that this missense variant is not expected to disrupt USH2A protein function with a negative predictive value of 95%. In summary, the available evidence is currently insufficient to determine the role of this variant in disease. Therefore, it has been classified as a Variant of Uncertain Significance.

NM_206933.4(USH2A):c.4064A>G (p.Glu1355Gly)

Genes: USH2A (usherin; minus strand), USH2A-AS1 (USH2A antisense RNA 1; plus strand). Cytogenetic location: 1q41.
Variant type: single nucleotide variant.
Coding change: c.4064A>G on transcript NM_206933.4 (MANE Select); coding-DNA position 4064, A replaced by G.
Protein change: p.Glu1355Gly; replaces glutamic acid 1355 with glycine.
Molecular consequence: missense variant.
Genome position (GRCh38, 1-based): chr1:216,198,332, T>C on the plus strand (A>G on the coding strand, the complement: USH2A is on the minus strand). VCF-style: chr1-216198332-T-C. GRCh37 (hg19) VCF-style: chr1-216371674-T-C.
Other names: c.4064A>G, p.Glu1355Gly (NM_007123.6); short protein forms E1355G.
Identifiers: ClinVar variation 3383614 (VCV003383614.3).
Genomic context (GRCh38, chr1:216,198,332, plus strand): 5'-ATTCAGAGGTTTTAAAAGTAGAATTTAAAACATTGATCTTTACCTGATTCTCCCGTTCTT[T>C]CTGAGACCCAGGCAGAAGACACACTTCCAGCCATATTCACAGCTAAGACTCTGAACTCAT-3'
Protein context (NP_996816.3, residues 1345-1365): AGSVSSAWVS[Glu1355Gly]RTGESAPVFM